The following is an entry in ClinVar:

NM_007294.4(BRCA1):c.185C>T (p.Pro62Leu)

Gene: BRCA1 (BRCA1 DNA repair associated; minus strand). Cytogenetic location: 17q21.31.
Variant type: single nucleotide variant.
Coding change: c.185C>T on transcript NM_007294.4 (MANE Select); coding-DNA position 185, C replaced by T.
Protein change: p.Pro62Leu; replaces proline 62 with leucine.
Molecular consequence: missense variant. On other transcripts: non-coding transcript variant (1).
Genome position (GRCh38, 1-based): chr17:43,106,483, G>A on the plus strand (C>T on the coding strand, the complement: BRCA1 is on the minus strand). VCF-style: chr17-43106483-G-A. GRCh37 (hg19) VCF-style: chr17-41258500-G-A.
Other names: c.44C>T, p.Pro15Leu (NM_001407850.1, NM_001407851.1, NM_001407852.1 and 99 more transcripts); c.-4C>T (NM_001407853.1, NM_001407879.1, NM_001407571.1 and 58 more transcripts); c.185C>T, p.Pro62Leu (NM_001407854.1, NM_001407858.1, NM_001407859.1 and 168 more transcripts); short protein forms P15L, P62L.
Identifiers: ClinVar variation 865233 (VCV000865233.40), dbSNP rs786202286, ClinGen allele CA10601792.

ClinVar aggregate classification (germline): Uncertain significance. Review status: criteria provided, multiple submitters, no conflicts (2 of 4 stars). 3 submissions from 3 submitters: Uncertain significance (3). Last evaluated 2024-12-31.

Conditions:
Breast-ovarian cancer, familial, susceptibility to, 1 (BROVCA1). Also called: OVARIAN CANCER, SUSCEPTIBILITY TO; BRCA1 Hereditary Breast and Ovarian Cancer. Identifiers: Orphanet 145, MedGen C2676676, MONDO:0011450, OMIM 604370. Disease mechanism: loss of function.
Hereditary breast ovarian cancer syndrome. Also called: Hereditary breast and ovarian cancer; Hereditary breast and ovarian cancer syndrome; Hereditary breast and ovarian cancer syndrome (HBOC); Breast and ovarian cancer; Hereditary breast and/or ovarian cancer syndrome; BRCA1- and BRCA2-Associated Hereditary Breast and Ovarian Cancer. Identifiers: Orphanet 145, MedGen C0677776, MeSH D061325, MONDO:0003582. Disease mechanism: loss of function.

Allele frequency attached by ClinVar (database versions not stated): gnomAD exomes below 0.00001.
gnomAD v4.1: 2 of 1,604,100 alleles (0.00012%); highest among the groups gnomAD compares: East Asian, 0.0022%; no homozygotes.

Submissions (4):

Molecular Pathology, Peter Maccallum Cancer Centre
Classification: Uncertain significance for Breast-ovarian cancer, familial, susceptibility to, 1. Last evaluated: 2024-12-31. Review status: criteria provided, single submitter. Criteria: ACMG Guidelines, 2015. Collection method: clinical testing. Allele origin: germline. Inheritance: Autosomal dominant inheritance.

Labcorp Genetics (formerly Invitae), Labcorp
Classification: Uncertain significance for Hereditary breast ovarian cancer syndrome. Last evaluated: 2023-12-13. Review status: criteria provided, single submitter. Criteria: Invitae Variant Classification Sherloc (09022015). Collection method: clinical testing. Allele origin: germline.
Comment: This sequence change replaces proline, which is neutral and non-polar, with leucine, which is neutral and non-polar, at codon 62 of the BRCA1 protein (p.Pro62Leu). This variant is not present in population databases (gnomAD no frequency). This missense change has been observed in individual(s) with hereditary breast and/or ovarian cancer (PMID: 18092194). This variant is also known as 304C>T. ClinVar contains an entry for this variant (Variation ID: 865233). Advanced modeling performed at Invitae incorporating data from internal and/or published experimental studies (PMID: 30209399) indicates that this missense variant is not expected to disrupt BRCA1 function with a negative predictive value of 95%. Experimental studies have shown that this missense change does not substantially affect BRCA1 function (PMID: 30209399). In summary, the available evidence is currently insufficient to determine the role of this variant in disease. Therefore, it has been classified as a Variant of Uncertain Significance.

CeGaT Center for Human Genetics Tuebingen
Classification: Uncertain significance. Last evaluated: 2023-05-01. Review status: criteria provided, single submitter. Criteria: CeGaT Center For Human Genetics Tuebingen Variant Classification Criteria Version 2. Collection method: clinical testing. Allele origin: germline. Affected: yes. Observed: 1 variant allele.
Comment: BRCA1: PM1, PM2, BP1, BS3:Supporting

Brotman Baty Institute, University of Washington
No classification provided (evidence only). Condition: Breast-ovarian cancer, familial 1. Review status: no classification provided. Collection method: in vitro. Allele origin: not applicable. Functional consequence: functionally_normal. Not counted in ClinVar's aggregate classification.
ClinVar note: "not provided" was previously submitted as the classification for the variant. However, the classification appeared to be based only on an observation of functional data so it was converted to no classification on 2025-07-30.

Literature cited by the submitters: PubMed 18092194 (cited by Labcorp Genetics (formerly Invitae), Labcorp); PubMed 30209399 (cited by Labcorp Genetics (formerly Invitae), Labcorp).